The following is an entry in ClinVar:

NM_000443.4(ABCB4):c.3553A>G (p.Ile1185Val)

Gene: ABCB4 (ATP binding cassette subfamily B member 4; minus strand). Cytogenetic location: 7q21.12.
Variant type: single nucleotide variant.
Coding change: c.3553A>G on transcript NM_000443.4 (MANE Select); coding-DNA position 3553, A replaced by G.
Protein change: p.Ile1185Val; replaces isoleucine 1185 with valine.
Molecular consequence: missense variant.
Genome position (GRCh38, 1-based): chr7:87,403,215, T>C on the plus strand (A>G on the coding strand, the complement: ABCB4 is on the minus strand). VCF-style: chr7-87403215-T-C. GRCh37 (hg19) VCF-style: chr7-87032531-T-C.
Other names: c.3574A>G, p.Ile1192Val (NM_018849.3); c.3412A>G, p.Ile1138Val (NM_018850.3); short protein forms I1138V, I1185V, I1192V.
Identifiers: ClinVar variation 909050 (VCV000909050.6), dbSNP rs8187811, ClinGen allele CA4326738.

ClinVar aggregate classification (germline): Conflicting classifications of pathogenicity. Review status: criteria provided, conflicting classifications (1 of 4 stars). 4 submissions from 3 submitters: Uncertain significance (3); Likely benign (1). Last evaluated 2026-04-14.

Conditions:
Cholestasis, intrahepatic, of pregnancy, 3. Identifiers: Orphanet 69665, MedGen C3554241, MONDO:0013995, OMIM 614972.
ABCB4-related disorder. Also called: ABCB4-related disorders; ABCB4-related condition.
Progressive familial intrahepatic cholestasis type 3. Also called: Low Gamma-GT Familial Intrahepatic Cholestasis; MDR3 DEFICIENCY. Identifiers: Orphanet 79305, MedGen C1865643, MONDO:0011214, OMIM 602347.
Low phospholipid associated cholelithiasis (GBD1). Also called: Gallbladder disease 1; Gallstone cholecystitis. Identifiers: Orphanet 69663, MedGen C2609268, MONDO:0010939, OMIM 600803.
Familial intrahepatic cholestasis. Identifiers: Orphanet 284385, MedGen CN296401, MONDO:0017290.

Allele frequency attached by ClinVar (database versions not stated): gnomAD exomes 0.00006 and 0.00012; ExAC 0.00008; TOPMed 0.00009; gnomAD 0.00013 and 0.00014; ESP Exome Variant Server 0.00015.
gnomAD v4.1: 125 of 1,613,926 alleles (0.0077%); highest among the groups gnomAD compares: South Asian, 0.0022%; no homozygotes.

Submissions (4):

Genomenon, Inc
Classification: Uncertain significance for Familial intrahepatic cholestasis; Low phospholipid associated cholelithiasis. Last evaluated: 2026-04-14. Review status: criteria provided, single submitter. Criteria: Genomenon Sequence Variant Interpretation Standards - Updated. Collection method: curation. Allele origin: germline. Affected: no.
Comment: ABCB4 p.Ile1185Val (c.3553A>G) is a missense variant that changes the amino acid at residue 1185 from Isoleucine to Valine. This variant has been reported in the published literature (PMID:17141228;20849526). It is absent or not present at a significant frequency in gnomAD. In silico models predict that this variant is possibly or probably damaging. In conclusion, we classify ABCB4 p.Ile1185Val (c.3553A>G) as a variant of uncertain significance.

PreventionGenetics, part of Exact Sciences
Classification: Likely benign for ABCB4-related condition. Last evaluated: 2024-12-11. Review status: criteria provided, single submitter. Criteria: ACMG Guidelines, 2015. Collection method: clinical testing. Allele origin: germline.
Comment: This variant is classified as likely benign based on ACMG/AMP sequence variant interpretation guidelines (Richards et al. 2015 PMID: 25741868, with internal and published modifications).

Illumina Laboratory Services, Illumina
Classification: Uncertain significance for Cholestasis, intrahepatic, of pregnancy, 3. Last evaluated: 2018-01-13. Review status: criteria provided, single submitter. Criteria: ICSL Variant Classification Criteria 13 December 2019. Collection method: clinical testing. Allele origin: germline.

Illumina Laboratory Services, Illumina
Classification: Uncertain significance for Progressive familial intrahepatic cholestasis type 3. Last evaluated: 2018-01-13. Review status: criteria provided, single submitter. Criteria: ICSL Variant Classification Criteria 13 December 2019. Collection method: clinical testing. Allele origin: germline.

Literature cited by the submitters: PubMed 17141228 (cited by Genomenon, Inc); PubMed 20849526 (cited by Genomenon, Inc).